The following is an entry in ClinVar:

ClinVar aggregate classification (germline): Uncertain significance (1 of 4 stars; one submission).

gnomAD v4.1: 3 of 1,613,204 alleles (0.00019%); highest among the groups gnomAD compares: Non-Finnish European, 0.00025%; no homozygotes.

Submission:

Labcorp Genetics (formerly Invitae), Labcorp
Classification: Uncertain significance. Last evaluated: 2024-05-31. Review status: criteria provided, single submitter. Criteria: Invitae Variant Classification Sherloc (09022015). Collection method: clinical testing. Allele origin: germline.
Comment: This sequence change creates a premature translational stop signal (p.Gln440*) in the INTU gene. It is expected to result in an absent or disrupted protein product. However, the current clinical and genetic evidence is not sufficient to establish whether loss-of-function variants in INTU cause disease. This variant is not present in population databases (gnomAD no frequency). This variant has not been reported in the literature in individuals affected with INTU-related conditions. Algorithms developed to predict the effect of sequence changes on RNA splicing suggest that this variant may disrupt the consensus splice site. In summary, the available evidence is currently insufficient to determine the role of this variant in disease. Therefore, it has been classified as a Variant of Uncertain Significance.

NM_015693.4(INTU):c.1318C>T (p.Gln440Ter)

Genes: INTU (inturned planar cell polarity protein; plus strand), LOC126807151 (CDK7 strongly-dependent group 2 enhancer GRCh37_chr4:128607842-128609041; plus strand). Cytogenetic location: 4q28.1.
Variant type: single nucleotide variant.
Coding change: c.1318C>T on transcript NM_015693.4 (MANE Select); coding-DNA position 1318, C replaced by T.
Protein change: p.Gln440Ter; replaces glutamine 440 with a stop codon.
Molecular consequence: nonsense.
Genome position (GRCh38, 1-based): chr4:127,687,736, C>T. VCF-style: chr4-127687736-C-T. GRCh37 (hg19) VCF-style: chr4-128608891-C-T.
Other names: short protein forms Q440*.
Identifiers: ClinVar variation 3634765 (VCV003634765.2).
Genomic context (GRCh38, chr4:127,687,736, plus strand): 5'-AGTGCCTTTTGCCAGATTGAGAATGTTCCTCGTTTGGATCATTTTTTTAACTTGTTCTTT[C>T]AAAGAGCACTTCAGCCTGCGAAACTGCATTCCAGCGCCAGTCCCAGTGCTCAGCAGTACG-3'